The following is an entry in ClinVar:

NM_177438.3(DICER1):c.3726C>A (p.Tyr1242Ter)

Gene: DICER1 (dicer 1, ribonuclease III; minus strand). Cytogenetic location: 14q32.13.
Variant type: single nucleotide variant.
Coding change: c.3726C>A on transcript NM_177438.3 (MANE Select); coding-DNA position 3726, C replaced by A.
Protein change: p.Tyr1242Ter; replaces tyrosine 1242 with a stop codon.
Molecular consequence: nonsense.
Genome position (GRCh38, 1-based): chr14:95,103,670, G>T on the plus strand (C>A on the coding strand, the complement: DICER1 is on the minus strand). VCF-style: chr14-95103670-G-T. GRCh37 (hg19) VCF-style: chr14-95570007-G-T.
Other names: c.3726C>A, p.Tyr1242Ter (NM_001195573.1, NM_001271282.3, NM_001291628.2 and 1 more transcripts); short protein forms Y1242*.
Identifiers: ClinVar variation 254328 (VCV000254328.7), dbSNP rs886037708, ClinGen allele CA10586422.
Genomic context (GRCh38, chr14:95,103,670, plus strand): 5'-AGGCATTACGGCCATCACAGGACTTCCATCTGAGGTAGATTTGTTAGCATTTCCATCAAG[G>T]TATTTATTACTCAGGAGAGTACATTCATCGCTGGGCTGGGGCTGGTTCTCGTAACTGTAT-3'

ClinVar aggregate classification (germline): Pathogenic. Review status: criteria provided, multiple submitters, no conflicts (2 of 4 stars). 4 submissions from 4 submitters: Pathogenic (4). Last evaluated 2023-11-20.

Conditions:
DICER1-related tumor predisposition. Also called: DICER1 syndrome; DICER1-related pleuropulmonary blastoma cancer predisposition syndrome. Identifiers: Orphanet 284343, MedGen C3839822, MONDO:0100216.
Hereditary cancer-predisposing syndrome. Also called: Tumor predisposition; Hereditary Cancer Syndrome; Neoplastic Syndromes, Hereditary; Hereditary neoplastic syndrome. Identifiers: Orphanet 140162, MedGen C0027672, MeSH D009386, MONDO:0015356.

Submissions (4):

GeneDx
Classification: Pathogenic. Last evaluated: 2023-11-20. Review status: criteria provided, single submitter. Criteria: GeneDx Variant Classification Process June 2021. Collection method: clinical testing. Allele origin: germline. Affected: yes.
Comment: Nonsense variant predicted to result in protein truncation or nonsense mediated decay in a gene for which loss of function is a known mechanism of disease; Not observed at significant frequency in large population cohorts (gnomAD); This variant is associated with the following publications: (PMID: 21266384, 24708902, 25525159, 25451712, 26925222, 28323992, 25118636)

Foulkes Cancer Genetics LDI, Lady Davis Institute for Medical Research
Classification: Pathogenic for Pleuropulmonary blastoma. Last evaluated: 2019-07-01. Review status: criteria provided, single submitter. Criteria: ACMG Guidelines, 2015. Collection method: curation. Allele origin: germline. Affected: yes. Observed: 5 variant alleles.
Comment: ACMG criteria met: PVS1, PM2, PP4

International Pleuropulmonary Blastoma Registry, Children's Hospitals and Clinics of Minnesota
Classification: Pathogenic for Pleuropulmonary blastoma. Last evaluated: 2014-11-10. Review status: criteria provided, single submitter. Criteria: Hill et al. (Science. 2009). Collection method: clinical testing. Allele origin: germline. Affected: yes. Study: PPB-DICER1 Genetic study.

Ambry Genetics
Classification: Pathogenic for Hereditary cancer-predisposing syndrome. Last evaluated: 2013-04-15. Review status: criteria provided, single submitter. Criteria: Ambry Autosomal Dominant and X-Linked criteria (10/2015). Collection method: clinical testing. Allele origin: germline. Observed: 1 variant allele.
Comment: This alteration is expected to result in loss of function by premature protein truncation or nonsense-mediatedâ€¯mRNAâ€¯decay.â€¯As such, this alteration is interpreted as a disease-causing mutation.

Literature cited by the submitters: PubMed 21266384 (cited by Foulkes Cancer Genetics LDI, Lady Davis Institute for Medical Research); PubMed 25118636 (cited by Foulkes Cancer Genetics LDI, Lady Davis Institute for Medical Research); PubMed 26925222 (cited by Foulkes Cancer Genetics LDI, Lady Davis Institute for Medical Research and International Pleuropulmonary Blastoma Registry, Children's Hospitals and Clinics of Minnesota); PubMed 28323992 (cited by Foulkes Cancer Genetics LDI, Lady Davis Institute for Medical Research).